The following is an entry in ClinVar:

NM_133433.4(NIPBL):c.667G>C (p.Val223Leu)

Gene: NIPBL (NIPBL cohesin loading factor; plus strand). Cytogenetic location: 5p13.2.
Variant type: single nucleotide variant.
Coding change: c.667G>C on transcript NM_133433.4 (MANE Select); coding-DNA position 667, G replaced by C.
Protein change: p.Val223Leu; replaces valine 223 with leucine.
Molecular consequence: missense variant.
Genome position (GRCh38, 1-based): chr5:36,970,932, G>C. VCF-style: chr5-36970932-G-C. GRCh37 (hg19) VCF-style: chr5-36971034-G-C.
Other names: c.667G>C, p.Val223Leu (NM_015384.5); short protein forms V223L.
Identifiers: ClinVar variation 2177241 (VCV002177241.4), dbSNP rs1294876675, ClinGen allele CA359478504.

ClinVar aggregate classification (germline): Uncertain significance (1 of 4 stars; one submission).

Conditions:
Cornelia de Lange syndrome 1 (CDLS1). Also called: TYPUS DEGENERATIVUS AMSTELODAMENSIS; NIPBL-Related Cornelia de Lange Syndrome; Brachmann de Lange syndrome. Identifiers: Orphanet 199, MedGen C4551851, MONDO:0007387, OMIM 122470.

Submission:

Labcorp Genetics (formerly Invitae), Labcorp
Classification: Uncertain significance for Cornelia de Lange syndrome 1. Last evaluated: 2024-02-24. Review status: criteria provided, single submitter. Criteria: Invitae Variant Classification Sherloc (09022015). Collection method: clinical testing. Allele origin: germline.
Comment: This sequence change replaces valine, which is neutral and non-polar, with leucine, which is neutral and non-polar, at codon 223 of the NIPBL protein (p.Val223Leu). This variant is not present in population databases (gnomAD no frequency). This variant has not been reported in the literature in individuals affected with NIPBL-related conditions. ClinVar contains an entry for this variant (Variation ID: 2177241). Advanced modeling of protein sequence and biophysical properties (such as structural, functional, and spatial information, amino acid conservation, physicochemical variation, residue mobility, and thermodynamic stability) has been performed at Invitae for this missense variant, however the output from this modeling did not meet the statistical confidence thresholds required to predict the impact of this variant on NIPBL protein function. In summary, the available evidence is currently insufficient to determine the role of this variant in disease. Therefore, it has been classified as a Variant of Uncertain Significance.